The following is an entry in ClinVar:

ClinVar aggregate classification (germline): Uncertain significance (1 of 4 stars; one submission).

gnomAD v4.1: 9 of 1,587,230 alleles (0.00057%); highest among the groups gnomAD compares: East Asian, 0.0023%; no homozygotes.

Submission:

Labcorp Genetics (formerly Invitae), Labcorp
Classification: Uncertain significance. Last evaluated: 2022-08-24. Review status: criteria provided, single submitter. Criteria: Invitae Variant Classification Sherloc (09022015). Collection method: clinical testing. Allele origin: germline.
Comment: Algorithms developed to predict the effect of missense changes on protein structure and function (SIFT, PolyPhen-2, Align-GVGD) all suggest that this variant is likely to be disruptive. In summary, the available evidence is currently insufficient to determine the role of this variant in disease. Therefore, it has been classified as a Variant of Uncertain Significance. This missense change has been observed in individual(s) with hypomyelination with brain stem and spinal cord involvement and leg spasticity (PMID: 23643384). This variant is not present in population databases (gnomAD no frequency). This sequence change replaces arginine, which is basic and polar, with cysteine, which is neutral and slightly polar, at codon 494 of the DARS protein (p.Arg494Cys).

Literature cited by the submitters: PubMed 23643384.

NM_001349.4(DARS1):c.1480C>T (p.Arg494Cys)

Gene: DARS1 (aspartyl-tRNA synthetase 1; minus strand). Cytogenetic location: 2q21.3.
Variant type: single nucleotide variant.
Coding change: c.1480C>T on transcript NM_001349.4 (MANE Select); coding-DNA position 1480, C replaced by T.
Protein change: p.Arg494Cys; replaces arginine 494 with cysteine.
Molecular consequence: missense variant.
Genome position (GRCh38, 1-based): chr2:135,907,342, G>A on the plus strand (C>T on the coding strand, the complement: DARS1 is on the minus strand). VCF-style: chr2-135907342-G-A. GRCh37 (hg19) VCF-style: chr2-136664912-G-A.
Other names: c.1180C>T, p.Arg394Cys (NM_001293312.1); short protein forms R494C, R394C.
Identifiers: ClinVar variation 2203149 (VCV002203149.4), dbSNP rs147077598, ClinGen allele CA56648606.
Genomic context (GRCh38, chr2:135,907,342, plus strand): 5'-CATCCACACTGGAGTTAAGTGGCAAAGTGTGAATTTAAGGAGTGAGTCGTTTGGGATCAC[G>A]AGGGAACATGGAGGTCTGACGAACATTATGCAATCCCAGAAACAGCATAGTAACTCGTTC-3'
Protein context (NP_001340.2, residues 484-501): HNVRQTSMFP[Arg494Cys]DPKRLTP